The following is an entry in ClinVar:

ClinVar aggregate classification (germline): Pathogenic (1 of 4 stars; one submission).

Conditions:
Developmental and epileptic encephalopathy, 43 (DEE43). Also called: Epileptic encephalopathy, early infantile, 43. Identifiers: MedGen C4310712, MONDO:0014921, OMIM 617113.

Submission:

Institute of Immunology and Genetics Kaiserslautern
Classification: Pathogenic for Developmental and epileptic encephalopathy, 43. Last evaluated: 2024-05-22. Review status: criteria provided, single submitter. Criteria: ACMG Guidelines, 2015. Collection method: clinical testing. Allele origin: de novo. Affected: yes.
Comment: ACMG Criteria: PVS1, PS2, PM2; Variant was found in heterozygous state. De novo-status was comfirmed via segregation analysis in the lab

NM_000814.6(GABRB3):c.76C>T (p.Gln26Ter)

Gene: GABRB3 (gamma-aminobutyric acid type A receptor subunit beta3; minus strand). Cytogenetic location: 15q12.
Variant type: single nucleotide variant.
Coding change: c.76C>T on transcript NM_000814.6 (MANE Select); coding-DNA position 76, C replaced by T.
Protein change: p.Gln26Ter; replaces glutamine 26 with a stop codon.
Molecular consequence: nonsense. On other transcripts: 5 prime UTR variant (1), intron variant (1).
Genome position (GRCh38, 1-based): chr15:26,772,887, G>A on the plus strand (C>T on the coding strand, the complement: GABRB3 is on the minus strand). VCF-style: chr15-26772887-G-A. GRCh37 (hg19) VCF-style: chr15-27018034-G-A.
Other names: c.-276C>T (NM_001278631.2); c.81-115C>T (NM_021912.5); short protein forms Q26*.
Identifiers: ClinVar variation 3251936 (VCV003251936.1), dbSNP rs867679278.